The following is an entry in ClinVar:

ClinVar aggregate classification (germline): Uncertain significance (1 of 4 stars; one submission).

Conditions:
Cardiomyopathy (CMYO). Also called: Cardiomyopathies. Identifiers: Orphanet 167848, MedGen C0878544, MONDO:0004994, HP:0001638. Inheritance: Various modes of inheritance.

Submission:

Color Diagnostics, LLC DBA Color Health
Classification: Uncertain significance for Cardiomyopathy. Last evaluated: 2024-03-06. Review status: criteria provided, single submitter. Criteria: ACMG Guidelines, 2015. Collection method: clinical testing. Allele origin: germline.
Comment: This missense variant replaces aspartic acid with alanine at codon 284 of the PRKAG2 protein. Computational prediction suggests that this variant may have deleterious impact on protein structure and function (internally defined REVEL score threshold >= 0.7, PMID: 27666373). To our knowledge, functional studies have not been reported for this variant. This variant has not been reported in individuals affected with cardiovascular disorders in the literature. This variant has not been identified in the general population by the Genome Aggregation Database (gnomAD). The available evidence is insufficient to determine the role of this variant in disease conclusively. Therefore, this variant is classified as a Variant of Uncertain Significance.

NM_016203.4(PRKAG2):c.851A>C (p.Asp284Ala)

Gene: PRKAG2 (protein kinase AMP-activated non-catalytic subunit gamma 2; minus strand). Cytogenetic location: 7q36.1.
Variant type: single nucleotide variant.
Coding change: c.851A>C on transcript NM_016203.4 (MANE Select); coding-DNA position 851, A replaced by C.
Protein change: p.Asp284Ala; replaces aspartic acid 284 with alanine.
Molecular consequence: missense variant.
Genome position (GRCh38, 1-based): chr7:151,595,358, T>G on the plus strand (A>C on the coding strand, the complement: PRKAG2 is on the minus strand). VCF-style: chr7-151595358-T-G. GRCh37 (hg19) VCF-style: chr7-151292444-T-G.
Other names: c.719A>C, p.Asp240Ala (NM_001040633.2, NM_001407024.1); c.476A>C, p.Asp159Ala (NM_001304527.2, NM_001407029.1); c.128A>C, p.Asp43Ala (NM_001304531.2, NM_001407034.1, NM_001407035.1 and 1 more transcripts); c.479A>C, p.Asp160Ala (NM_001363698.2, NM_001407028.1); c.851A>C, p.Asp284Ala (NM_001407021.1); c.848A>C, p.Asp283Ala (NM_001407022.1, NM_001407023.1); c.716A>C, p.Asp239Ala (NM_001407026.1, NM_001407027.1); c.563A>C, p.Asp188Ala (NM_001407030.1); and 6 more; short protein forms D239A, D240A, D284A, D42A, D59A, D63A, D159A, D160A.
Identifiers: ClinVar variation 2774168 (VCV002774168.2), dbSNP rs2536586414, ClinGen allele CA370069185.